The following is an entry in ClinVar:

ClinVar aggregate classification (germline): Conflicting classifications of pathogenicity. Review status: criteria provided, conflicting classifications (1 of 4 stars). 5 submissions from 5 submitters: Uncertain significance (4); Likely benign (1). Last evaluated 2025-07-22.

Conditions:
TTN-related disorder. Also called: TTN-related disorders; TTN-related condition; TTN-related disease.
Autosomal recessive limb-girdle muscular dystrophy type 2J (LGMDR10). Also called: Limb-girdle muscular dystrophy, type 2J; MUSCULAR DYSTROPHY, LIMB-GIRDLE, AUTOSOMAL RECESSIVE 10. Identifiers: Orphanet 140922, MedGen C1837342, MONDO:0012127, OMIM 608807.
Dilated cardiomyopathy 1G (CMD1G). Identifiers: Orphanet 154, MedGen C1858763, MONDO:0011400, OMIM 604145.
Cardiovascular phenotype. Identifiers: MedGen CN230736.
Cardiomyopathy (CMYO). Also called: Cardiomyopathies. Identifiers: Orphanet 167848, MedGen C0878544, MONDO:0004994, HP:0001638. Inheritance: Various modes of inheritance.

Allele frequency attached by ClinVar (database versions not stated): gnomAD 0.00001; ExAC 0.00003; TOPMed 0.00005; ESP Exome Variant Server 0.00008.
gnomAD v4.1: 67 of 1,613,864 alleles (0.0042%); highest among the groups gnomAD compares: Middle Eastern, 0.016%; no homozygotes.

Submissions (5):

PreventionGenetics, part of Exact Sciences
Classification: Uncertain significance for TTN-related condition. Last evaluated: 2025-07-22. Review status: criteria provided, single submitter. Criteria: ACMG Guidelines, 2015. Collection method: clinical testing. Allele origin: germline.
Comment: The TTN c.7502G>A variant is predicted to result in the amino acid substitution p.Arg2501Gln. To our knowledge, this variant has not been reported in the literature. This variant is reported in 0.012% of alleles in individuals of Latino descent in gnomAD. At this time, the clinical significance of this variant is uncertain due to the absence of conclusive functional and genetic evidence.

GeneDx
Classification: Likely benign. Last evaluated: 2019-05-21. Review status: criteria provided, single submitter. Criteria: GeneDx Variant Classification Process June 2021. Collection method: clinical testing. Allele origin: germline. Affected: yes.

Ambry Genetics
Classification: Uncertain significance for Cardiovascular phenotype. Last evaluated: 2019-01-29. Review status: criteria provided, single submitter. Criteria: Ambry Variant Classification Scheme 2023. Collection method: clinical testing. Allele origin: germline.
Comment: The p.R2455Q variant (also known as c.7364G>A), located in coding exon 30 of the TTN gene, results from a G to A substitution at nucleotide position 7364. The arginine at codon 2455 is replaced by glutamine, an amino acid with highly similar properties. This amino acid position is highly conserved in available vertebrate species. In addition, the in silico prediction for this alteration is inconclusive. Since supporting evidence is limited at this time, the clinical significance of this alteration remains unclear.

CHEO Genetics Diagnostic Laboratory, Children's Hospital of Eastern Ontario
Classification: Uncertain significance for Cardiomyopathy. Last evaluated: 2018-05-23. Review status: criteria provided, single submitter. Criteria: ACMG Guidelines, 2015. Collection method: clinical testing. Allele origin: germline.

Labcorp Genetics (formerly Invitae), Labcorp
Classification: Uncertain significance for Dilated cardiomyopathy 1G; Autosomal recessive limb-girdle muscular dystrophy type 2J. Last evaluated: 2016-12-13. Review status: criteria provided, single submitter. Criteria: Invitae Variant Classification Sherloc (09022015). Collection method: clinical testing. Allele origin: germline.

NM_001267550.2(TTN):c.7502G>A (p.Arg2501Gln)

Gene: TTN (titin; minus strand). Cytogenetic location: 2q31.2.
Variant type: single nucleotide variant.
Coding change: c.7502G>A on transcript NM_001267550.2 (MANE Select); coding-DNA position 7502, G replaced by A.
Protein change: p.Arg2501Gln; replaces arginine 2501 with glutamine.
Molecular consequence: missense variant.
Genome position (GRCh38, 1-based): chr2:178,773,554, C>T on the plus strand (G>A on the coding strand, the complement: TTN is on the minus strand). VCF-style: chr2-178773554-C-T. GRCh37 (hg19) VCF-style: chr2-179638281-C-T.
Other names: c.7364G>A, p.Arg2455Gln (NM_003319.4, NM_133432.3, NM_133437.4); c.7502G>A, p.Arg2501Gln (NM_133378.4, NM_133379.5, NM_001256850.1); short protein forms R2501Q, R2455Q.
Identifiers: ClinVar variation 404772 (VCV000404772.10), dbSNP rs369559000, ClinGen allele CA2004801.